The following is an entry in ClinVar:

ClinVar aggregate classification (germline): Likely benign. Review status: criteria provided, multiple submitters, no conflicts (2 of 4 stars). 4 submissions from 4 submitters: Likely benign (3). 1 of the submissions does not count toward it. Last evaluated 2026-01-19.

Conditions:
PCLO-related disorder. Also called: PCLO-related condition.

Allele frequency attached by ClinVar (database versions not stated): ExAC 0.00017; gnomAD exomes 0.00028 and 0.00058; gnomAD 0.00040 and 0.00042; TOPMed 0.00041; ESP Exome Variant Server 0.00068.
gnomAD v4.1: 894 of 1,611,314 alleles (0.055%); highest among the groups gnomAD compares: Non-Finnish European, 0.071%; 1 homozygote.

Submissions (4):

Labcorp Genetics (formerly Invitae), Labcorp
Classification: Likely benign. Last evaluated: 2026-01-19. Review status: criteria provided, single submitter. Criteria: Invitae Variant Classification Sherloc (09022015). Collection method: clinical testing. Allele origin: germline.

CeGaT Center for Human Genetics Tuebingen
Classification: Likely benign. Last evaluated: 2022-06-01. Review status: criteria provided, single submitter. Criteria: CeGaT Center For Human Genetics Tuebingen Variant Classification Criteria Version 2. Collection method: clinical testing. Allele origin: germline. Affected: yes. Observed: 1 variant allele.
Comment: PCLO: BP4, BP7

Breakthrough Genomics
Classification: Likely benign. Review status: criteria provided, single submitter. Criteria: ACMG Guidelines, 2015. Collection method: not provided. Allele origin: germline. Inheritance: Autosomal recessive inheritance. Affected: yes.

PreventionGenetics, part of Exact Sciences
Classification: Likely benign for PCLO-related condition. Last evaluated: 2020-01-06. Review status: no assertion criteria provided. Collection method: clinical testing. Allele origin: germline. Not counted in ClinVar's aggregate classification.
Comment: This variant is classified as likely benign based on ACMG/AMP sequence variant interpretation guidelines (Richards et al. 2015 PMID: 25741868, with internal and published modifications).

NM_033026.6(PCLO):c.13638G>A (p.Thr4546=)

Gene: PCLO (piccolo presynaptic cytomatrix protein; minus strand). Cytogenetic location: 7q21.11.
Variant type: single nucleotide variant.
Coding change: c.13638G>A on transcript NM_033026.6 (MANE Select); coding-DNA position 13638, G replaced by A.
Protein change: p.Thr4546=; no amino-acid change (threonine 4546 retained).
Molecular consequence: synonymous variant.
Genome position (GRCh38, 1-based): chr7:82,879,353, C>T on the plus strand (G>A on the coding strand, the complement: PCLO is on the minus strand). VCF-style: chr7-82879353-C-T. GRCh37 (hg19) VCF-style: chr7-82508669-C-T.
Other names: c.13638G>A, p.Thr4546= (NM_014510.3).
Identifiers: ClinVar variation 733367 (VCV000733367.35), dbSNP rs374319895, ClinGen allele CA4319083.
Genomic context (GRCh38, chr7:82,879,353, plus strand): 5'-TGAGTGCATTCATTTTATTTTACTGTAAAATTCCTTATTCTTACCTTCCATAAGCTTCCC[C>T]GTCTGTTCCGCACTTCCCCCAGGAAGAATCTTGGCAATATAGGCTCCAATTTCTCCACTA-3'
Protein context (NP_149015.2, residues 4536-4556): KILPGGSAEQ[Thr4546=]GKLMEGMQVL